The following is an entry in ClinVar:

ClinVar aggregate classification (germline): Pathogenic/Likely pathogenic. Review status: criteria provided, multiple submitters, no conflicts (2 of 4 stars). 3 submissions from 3 submitters: Pathogenic (2); Likely pathogenic (1). Last evaluated 2024-01-02.

Conditions:
IRF2BPL-related disorder. Also called: IRF2BPL-related condition. Identifiers: MedGen CN381093.

Submissions (3):

Blueprint Genetics
Classification: Pathogenic for IRF2BPL-related disorders. Last evaluated: 2024-01-02. Review status: criteria provided, single submitter. Criteria: ACMG Guidelines, 2015. Collection method: clinical testing. Allele origin: germline. Affected: yes. Observed: 1 variant allele.

GeneDx
Classification: Pathogenic. Last evaluated: 2020-01-21. Review status: criteria provided, single submitter. Criteria: GeneDx Variant Classification Process June 2021. Collection method: clinical testing. Allele origin: germline. Affected: yes.
Comment: Nonsense variant predicted to result in protein truncation, as the last 625 amino acids are lost, and other loss-of-function variants have been reported downstream in the Human Gene Mutation Database (Stenson et al., 2014); Not observed in large population cohorts (Lek et al., 2016); Reported previously as a de novo change in an individual with an IRF2BPL-related disorder (Marcogliese et al., 2018); This variant is associated with the following publications: (PMID: 30057031)

Undiagnosed Diseases Network, NIH
Classification: Likely pathogenic for IRF2BPL-related condition. Last evaluated: 2017-08-29. Review status: criteria provided, single submitter. Criteria: ACMG Guidelines, 2015. Collection method: research. Allele origin: de novo. Inheritance: Autosomal dominant inheritance. Affected: yes. Observed: 1 variant allele, 1 heterozygote. Study: Undiagnosed Diseases Network (NIH), UDN.

NM_024496.4(IRF2BPL):c.514G>T (p.Glu172Ter)

Gene: IRF2BPL (interferon regulatory factor 2 binding protein like; minus strand). Cytogenetic location: 14q24.3.
Variant type: single nucleotide variant.
Coding change: c.514G>T on transcript NM_024496.4 (MANE Select); coding-DNA position 514, G replaced by T.
Protein change: p.Glu172Ter; replaces glutamic acid 172 with a stop codon.
Molecular consequence: nonsense.
Genome position (GRCh38, 1-based): chr14:77,027,279, C>A on the plus strand (G>T on the coding strand, the complement: IRF2BPL is on the minus strand). VCF-style: chr14-77027279-C-A. GRCh37 (hg19) VCF-style: chr14-77493622-C-A.
Other names: short protein forms E172*.
Identifiers: ClinVar variation 522821 (VCV000522821.8), dbSNP rs1448259271, ClinGen allele CA390499181.